The following is an entry in ClinVar:

NM_006186.4(NR4A2):c.866G>A (p.Arg289His)

Gene: NR4A2 (nuclear receptor subfamily 4 group A member 2; minus strand). Cytogenetic location: 2q24.1.
Variant type: single nucleotide variant.
Coding change: c.866G>A on transcript NM_006186.4 (MANE Select); coding-DNA position 866, G replaced by A.
Protein change: p.Arg289His; replaces arginine 289 with histidine.
Molecular consequence: missense variant.
Genome position (GRCh38, 1-based): chr2:156,328,532, C>T on the plus strand (G>A on the coding strand, the complement: NR4A2 is on the minus strand). VCF-style: chr2-156328532-C-T. GRCh37 (hg19) VCF-style: chr2-157185044-C-T.
Other names: c.677G>A, p.Arg226His (NM_173173.3); short protein forms R226H, R289H.
Identifiers: ClinVar variation 5018639 (VCV005018639.1).
Genomic context (GRCh38, chr2:156,328,532, plus strand): 5'-TTGTCCACTGGGCAGTTTTTATTTGCTAAACACACGTATTTTGCATTTTTTTGCACTGTG[C>T]GCTGCAAAAGGAGACAATATAGACCAACATTTTTTTTCTTCTTTTGAAAATCAGGCAACT-3'
Protein context (NP_006177.1, residues 279-299): TCEGCKGFFK[Arg289His]TVQKNAKYVC

ClinVar aggregate classification (germline): Likely pathogenic (1 of 4 stars; one submission).

Conditions:
Intellectual developmental disorder with language impairment and early-onset DOPA-responsive dystonia-parkinsonism (IDLDP). Identifiers: Orphanet 660017, MedGen C5677001, MONDO:0859257, OMIM 619911.

Submission:

Juno Genomics, Hangzhou Juno Genomics, Inc
Classification: Likely pathogenic for Intellectual developmental disorder with language impairment and early-onset DOPA-responsive dystonia-parkinsonism. Review status: criteria provided, single submitter. Criteria: ACMG Guidelines, 2015. Collection method: clinical testing. Allele origin: germline. Affected: yes.
Comment: Absent from controls (or at extremely low frequency if recessive) in Genome Aggregation Database.;De novo (both maternity and paternity confirmed) in a patient with the disease and no family history.;Multiple lines of computational evidence support a deleterious effect on the gene or gene product.;Located in a mutational hot spot and/or critical and well-established functional domain without benign variation.;Patient's phenotype or family history is highly specific for a disease with a single genetic etiology.